The following is an entry in ClinVar:

ClinVar aggregate classification (germline): Uncertain significance. Review status: criteria provided, multiple submitters, no conflicts (2 of 4 stars). 2 submissions from 2 submitters: Uncertain significance (2). Last evaluated 2025-03-03.

Conditions:
Inborn genetic diseases. Identifiers: MedGen C0950123, MeSH D030342.

Allele frequency attached by ClinVar (database versions not stated): gnomAD exomes below 0.00001; TOPMed below 0.00001.
gnomAD v4.1: 1 of 1,614,076 alleles (0.000062%); highest among the groups gnomAD compares: Admixed American, 0.0017%; no homozygotes.

Submissions (2):

Labcorp Genetics (formerly Invitae), Labcorp
Classification: Uncertain significance. Last evaluated: 2025-03-03. Review status: criteria provided, single submitter. Criteria: Invitae Variant Classification Sherloc (09022015). Collection method: clinical testing. Allele origin: germline.
Comment: This sequence change replaces glutamic acid, which is acidic and polar, with aspartic acid, which is acidic and polar, at codon 16 of the SLC1A3 protein (p.Glu16Asp). This variant is present in population databases (no rsID available, gnomAD 0.006%). This variant has not been reported in the literature in individuals affected with SLC1A3-related conditions. ClinVar contains an entry for this variant (Variation ID: 2381170). An algorithm developed to predict the effect of missense changes on protein structure and function (PolyPhen-2) suggests that this variant is likely to be tolerated. In summary, the available evidence is currently insufficient to determine the role of this variant in disease. Therefore, it has been classified as a Variant of Uncertain Significance.

Ambry Genetics
Classification: Uncertain significance for Inborn genetic diseases. Last evaluated: 2022-08-17. Review status: criteria provided, single submitter. Criteria: Ambry Variant Classification Scheme 2023. Collection method: clinical testing. Allele origin: germline.

NM_004172.5(SLC1A3):c.48G>C (p.Glu16Asp)

Gene: SLC1A3 (solute carrier family 1 member 3; plus strand). Cytogenetic location: 5p13.2.
Variant type: single nucleotide variant.
Coding change: c.48G>C on transcript NM_004172.5 (MANE Select); coding-DNA position 48, G replaced by C.
Protein change: p.Glu16Asp; replaces glutamic acid 16 with aspartic acid.
Molecular consequence: missense variant.
Genome position (GRCh38, 1-based): chr5:36,608,471, G>C. VCF-style: chr5-36608471-G-C. GRCh37 (hg19) VCF-style: chr5-36608573-G-C.
Other names: c.48G>C, p.Glu16Asp (NM_001166695.3, NM_001166696.3, NM_001289939.2 and 1 more transcripts); short protein forms E16D.
Identifiers: ClinVar variation 2381170 (VCV002381170.3), dbSNP rs1168358927, ClinGen allele CA359485353.